The following is an entry in ClinVar:

ClinVar aggregate classification (germline): Likely pathogenic (0 of 4 stars; one submission).

Conditions:
Dilated cardiomyopathy 1G (CMD1G). Identifiers: Orphanet 154, MedGen C1858763, MONDO:0011400, OMIM 604145.

Submission:

deCODE genetics, Amgen
Classification: Likely pathogenic for Dilated cardiomyopathy 1G. Last evaluated: 2023-07-21. Review status: no assertion criteria provided. Collection method: research. Allele origin: germline. Affected: yes. Observed: 1 variant allele.
Comment: The variant NM_001267550.2:c.72463del (chr2:178573668) in TTN was detected in 1 heterozygote out of 58K WGS Icelanders (MAF= 0,001%). This variant has not been reported in ClinVar previously. Based on ACMG criteria (PVS1, PM2) this variant classifies as likely pathogenic.

NM_001267550.2(TTN):c.72463del (p.Ile24155fs)

Genes: TTN (titin; minus strand), TTN-AS1 (TTN antisense RNA 1; plus strand). Cytogenetic location: 2q31.2.
Variant type: Deletion.
Coding change: c.72463del on transcript NM_001267550.2 (MANE Select); coding-DNA position 72463, one base deleted (A; older notation c.72463delA).
Protein change: p.Ile24155fs; shifts the reading frame from isoleucine 24155.
Molecular consequence: frameshift variant.
Genome position (GRCh38, 1-based): chr2:178,573,669, T deleted on the plus strand (A on the coding strand, the reverse complement: TTN is on the minus strand); the first of 4 consecutive T bases (chr2:178,573,669-178,573,672); deleting any one gives the same sequence. VCF-style (leftmost placement, unchanged base first): chr2-178573668-AT-A. GRCh37 (hg19) VCF-style: chr2-179438395-AT-A.
Other names: c.67540del, p.Ile22514fs (NM_001256850.1); c.45268del, p.Ile15090fs (NM_003319.4); c.64759del, p.Ile21587fs (NM_133378.4); c.45643del, p.Ile15215fs (NM_133432.3); c.45844del, p.Ile15282fs (NM_133437.4); short protein forms I15090fs, I15215fs, I15282fs, I21587fs, I22514fs, I24155fs.
Identifiers: ClinVar variation 2574059 (VCV002574059.1), dbSNP rs1559428142, ClinGen allele CA916720163.